The following is an entry in ClinVar:

ClinVar aggregate classification (germline): Uncertain significance. Review status: criteria provided, multiple submitters, no conflicts (2 of 4 stars). 2 submissions from 2 submitters: Uncertain significance (2). Last evaluated 2025-04-28.

Conditions:
Inborn genetic diseases. Identifiers: MedGen C0950123, MeSH D030342.

Allele frequency attached by ClinVar (database versions not stated): ExAC 0.00004; gnomAD exomes 0.00005; TOPMed 0.00006; gnomAD 0.00007; ESP Exome Variant Server 0.00015.
gnomAD v4.1: 87 of 1,614,112 alleles (0.0054%); highest among the groups gnomAD compares: Middle Eastern, 0.05%; no homozygotes.

Submissions (2):

GeneDx
Classification: Uncertain significance. Last evaluated: 2025-04-28. Review status: criteria provided, single submitter. Criteria: GeneDx Variant Classification Process June 2021. Collection method: clinical testing. Allele origin: germline. Affected: yes.
Comment: In silico analysis supports that this missense variant has a deleterious effect on protein structure/function; Has not been previously published as pathogenic or benign to our knowledge

Ambry Genetics
Classification: Uncertain significance for Inborn genetic diseases. Last evaluated: 2022-10-25. Review status: criteria provided, single submitter. Criteria: Ambry Variant Classification Scheme 2023. Collection method: clinical testing. Allele origin: germline.

NM_024417.5(FDXR):c.766C>T (p.Pro256Ser)

Gene: FDXR (ferredoxin reductase; minus strand). Cytogenetic location: 17q25.1.
Variant type: single nucleotide variant.
Coding change: c.766C>T on transcript NM_024417.5 (MANE Select); coding-DNA position 766, C replaced by T.
Protein change: p.Pro256Ser; replaces proline 256 with serine.
Molecular consequence: missense variant. On other transcripts: non-coding transcript variant (1).
Genome position (GRCh38, 1-based): chr17:74,864,516, G>A on the plus strand (C>T on the coding strand, the complement: FDXR is on the minus strand). VCF-style: chr17-74864516-G-A. GRCh37 (hg19) VCF-style: chr17-72860638-G-A.
Other names: c.895C>T, p.Pro299Ser (NM_001258012.4); c.859C>T, p.Pro287Ser (NM_001258013.4); c.742C>T, p.Pro248Ser (NM_001258014.4); c.646C>T, p.Pro216Ser (NM_001258015.3); c.610C>T, p.Pro204Ser (NM_001258016.3); c.784C>T, p.Pro262Ser (NM_004110.6); c.766C>T (NM_024417.4); short protein forms P204S, P256S, P287S, P216S, P299S, P248S, P262S.
Identifiers: ClinVar variation 3094357 (VCV003094357.2), dbSNP rs369277931, ClinGen allele CA8753034.